The following is an entry in ClinVar:

NM_004114.5(FGF13):c.398C>T (p.Thr133Ile)

Gene: FGF13 (fibroblast growth factor 13; minus strand). Cytogenetic location: Xq26.3.
Variant type: single nucleotide variant.
Coding change: c.398C>T on transcript NM_004114.5 (MANE Select); coding-DNA position 398, C replaced by T.
Protein change: p.Thr133Ile; replaces threonine 133 with isoleucine.
Molecular consequence: missense variant.
Genome position (GRCh38, 1-based): chrX:138,702,988, G>A on the plus strand (C>T on the coding strand, the complement: FGF13 is on the minus strand). VCF-style: chrX-138702988-G-A. GRCh37 (hg19) VCF-style: chrX-137785150-G-A.
Other names: c.260C>T, p.Thr87Ile (NM_001139498.2); c.428C>T, p.Thr143Ile (NM_001139500.2); c.341C>T, p.Thr114Ile (NM_001139501.2, NM_001139502.2); c.239C>T, p.Thr80Ile (NM_033642.3); short protein forms T114I, T80I, T133I, T143I, T87I.
Identifiers: ClinVar variation 5001165 (VCV005001165.1).
Genomic context (GRCh38, chrX:138,702,988, plus strand): 5'-TTTCATATTGGATGAAAACTAGAATAGTCAAAACATGCACACAGTCAAAAGCTTACCGAG[G>A]TGTACAAGTATCCCTCACTGTTCATTGCCAAGTACAGCTTGGTTTGAACTCCTTGGATAG-3'
Protein context (NP_004105.1, residues 123-143): LAMNSEGYLY[Thr133Ile]SELFTPECKF

ClinVar aggregate classification (germline): Uncertain significance (1 of 4 stars; one submission).

Conditions:
FGF13-related disorder. Also called: FGF13-related condition.

gnomAD v4.1: 3 of 1,192,066 alleles (0.00025%); highest among the groups gnomAD compares: Non-Finnish European, 0.00034%; no homozygotes.

Submission:

PreventionGenetics, part of Exact Sciences
Classification: Uncertain significance for FGF13-related condition. Last evaluated: 2025-03-08. Review status: criteria provided, single submitter. Criteria: ACMG Guidelines, 2015. Collection method: clinical testing. Allele origin: germline.
Comment: The FGF13 c.428C>T variant is predicted to result in the amino acid substitution p.Thr143Ile. To our knowledge, this variant has not been reported in the literature or in a large population database (gnomAD), indicating this variant is rare. At this time, the clinical significance of this variant is uncertain due to the absence of conclusive functional and genetic evidence.